The following is an entry in ClinVar:

NM_025114.4(CEP290):c.669+8G>T

Gene: CEP290 (centrosomal protein 290; minus strand). Cytogenetic location: 12q21.32.
Variant type: single nucleotide variant.
Coding change: c.669+8G>T on transcript NM_025114.4 (MANE Select); 8 bases into the intron after coding-DNA position 669, G replaced by T.
Molecular consequence: intron variant.
Genome position (GRCh38, 1-based): chr12:88,130,260, C>A on the plus strand (G>T on the coding strand, the complement: CEP290 is on the minus strand). VCF-style: chr12-88130260-C-A. GRCh37 (hg19) VCF-style: chr12-88524037-C-A.
Other names: c.669+8G>T (NM_025114.3).
Identifiers: ClinVar variation 1107296 (VCV001107296.11), dbSNP rs768408897, ClinGen allele CA6712716.

ClinVar aggregate classification (germline): Likely benign. Review status: criteria provided, single submitter (1 of 4 stars). 2 submissions from 2 submitters: Likely benign (1). 1 of the submissions does not count toward it. Last evaluated 2024-10-17.

Conditions:
CEP290-related disorder. Also called: CEP290-related disorders; CEP290-related condition. Identifiers: MedGen CN239314.
Joubert syndrome. Also called: CEREBELLOPARENCHYMAL DISORDER IV; JOUBERT-BOLTSHAUSER SYNDROME; Familial aplasia of the vermis. Identifiers: Orphanet 475, MedGen C5979921, MONDO:0018772.
Nephronophthisis. Also called: Juvenile Nephronophthisis. Identifiers: Orphanet 655, MedGen C0687120, MONDO:0019005, HP:0000090.
Meckel-Gruber syndrome. Also called: DYSENCEPHALIA SPLANCHNOCYSTICA; GRUBER SYNDROME; Dysencephalia splachnocystica. Identifiers: Orphanet 564, MedGen C0265215, MONDO:0018921.

Allele frequency attached by ClinVar (database versions not stated): ExAC 0.00001; gnomAD 0.00001; gnomAD exomes 0.00001.
gnomAD v4.1: 4 of 1,592,722 alleles (0.00025%); highest among the groups gnomAD compares: Admixed American, 0.0073%; no homozygotes.

Submissions (2):

Labcorp Genetics (formerly Invitae), Labcorp
Classification: Likely benign for Joubert syndrome; Meckel-Gruber syndrome; Nephronophthisis. Last evaluated: 2024-10-17. Review status: criteria provided, single submitter. Criteria: Invitae Variant Classification Sherloc (09022015). Collection method: clinical testing. Allele origin: germline.

PreventionGenetics, part of Exact Sciences
Classification: Likely benign for CEP290-related condition. Last evaluated: 2023-04-24. Review status: no assertion criteria provided. Collection method: clinical testing. Allele origin: germline. Not counted in ClinVar's aggregate classification.
Comment: This variant is classified as likely benign based on ACMG/AMP sequence variant interpretation guidelines (Richards et al. 2015 PMID: 25741868, with internal and published modifications).